The following is an entry in ClinVar:

ClinVar aggregate classification (germline): Uncertain significance (1 of 4 stars; one submission).

Conditions:
Congenital anomalies of kidney and urinary tract 2. Identifiers: Orphanet 2190, MedGen C5574705, MONDO:0027676, OMIM 143400.

Submission:

Victorian Clinical Genetics Services, Murdoch Childrens Research Institute
Classification: Uncertain significance for Congenital anomalies of kidney and urinary tract 2. Last evaluated: 2026-05-18. Review status: criteria provided, single submitter. Criteria: ACMG Guidelines, 2015. Collection method: clinical testing. Allele origin: germline. Affected: yes.
Comment: This variant is classified as VUS-3B. Evidence in support of pathogenic classification: Variant is present in gnomAD <0.001 for a dominant condition (v4: 3 heterozygote(s), 0 homozygote(s)). Additional information: Variant is predicted to result in a missense amino acid change from Met to Val; This variant is heterozygous; This gene is associated with autosomal dominant disease; Alternative amino acid change(s) at the same position are present in gnomAD (highest allele count: v4: 3 heterozygote(s), 0 homozygote(s)); This variant has no previous evidence of pathogenicity; No published evidence of segregation with disease has been identified for this variant; No published functional evidence has been identified for this variant; Another missense variant(s) comparable to the one identified in this case has inconclusive previous evidence for pathogenicity. p.(Met492Arg) has been reported once as a variant of uncertain significance by a clinical laboratory in ClinVar; Variant is not located in an established domain, motif, hotspot or informative constraint region; Missense variant with inconclusive in silico prediction and/or uninformative conservation; Dominant negative is a known mechanism of disease in this gene and is associated with congenital anomalies of kidney and urinary tract 2 (MIM#143400) (PMID: 26235987); Variants in this gene are known to have variable expressivity (PMID: 26235987); Inheritance information for this variant is not currently available in this individual.

Literature cited by the submitters: PubMed 26235987.

NM_001080508.3(TBX18):c.1474A>G (p.Met492Val)

Gene: TBX18 (T-box transcription factor 18; minus strand). Cytogenetic location: 6q14.3.
Variant type: single nucleotide variant.
Coding change: c.1474A>G on transcript NM_001080508.3 (MANE Select); coding-DNA position 1474, A replaced by G.
Protein change: p.Met492Val; replaces methionine 492 with valine.
Molecular consequence: missense variant.
Genome position (GRCh38, 1-based): chr6:84,737,035, T>C on the plus strand (A>G on the coding strand, the complement: TBX18 is on the minus strand). VCF-style: chr6-84737035-T-C. GRCh37 (hg19) VCF-style: chr6-85446753-T-C.
Other names: short protein forms M492V.
Identifiers: ClinVar variation 4879746 (VCV004879746.1).
Genomic context (GRCh38, chr6:84,737,035, plus strand): 5'-GGTTAGTGGCGAAGGCATTGCTGGAGGGTGATGGCATGATATACTGGAGCTGGGGGGACA[T>C]TCCCGAAATCTGCATGGATAAGCTGGTCTGTGGGCAGCTGAAGGTGTCCCCATCAGTGCC-3'
Protein context (NP_001073977.1, residues 482-502): QTSLSMQISG[Met492Val]SPQLQYIMPS